The following is an entry in ClinVar:

NM_000090.4(COL3A1):c.4318C>A (p.Pro1440Thr)

Gene: COL3A1 (collagen type III alpha 1 chain; plus strand). Cytogenetic location: 2q32.2.
Variant type: single nucleotide variant.
Coding change: c.4318C>A on transcript NM_000090.4 (MANE Select); coding-DNA position 4318, C replaced by A.
Protein change: p.Pro1440Thr; replaces proline 1440 with threonine.
Molecular consequence: missense variant.
Genome position (GRCh38, 1-based): chr2:189,011,691, C>A. VCF-style: chr2-189011691-C-A. GRCh37 (hg19) VCF-style: chr2-189876417-C-A.
Other names: short protein forms P1440T.
Identifiers: ClinVar variation 3775801 (VCV003775801.1).

ClinVar aggregate classification (germline): Uncertain significance (1 of 4 stars; one submission).

Conditions:
Ehlers-Danlos syndrome, type 4 (EDSVASC). Also called: Ehlers-Danlos syndrome vascular type; Ehlers Danlos syndrome, ecchymotic type; Ehlers Danlos syndrome, arterial type; Ehlers Danlos syndrome, Sack-Barabas type; Ehlers-Danlos Syndrome Type IV. Identifiers: Orphanet 286, MedGen C0268338, MONDO:0017314, OMIM 130050.

Submission:

3billion
Classification: Uncertain significance for Ehlers-Danlos syndrome, type 4. Last evaluated: 2023-06-23. Review status: criteria provided, single submitter. Criteria: ACMG Guidelines, 2015. Collection method: clinical testing. Allele origin: germline. Affected: yes.
Comment: The variant is not observed in the gnomAD v2.1.1 dataset. Predicted Consequence/Location: Missense changes are a common disease-causing mechanism. In silico tool predictions suggest damaging effect of the variant on gene or gene product (REVEL: 0.97; 3Cnet: 0.35). Different missense changes at the same codon (p.Pro1440Leu, p.Pro1440Ser) have been reported to be associated with COL3A1 related disorder (PMID: 24399159, 25846194). However the evidence of pathogenicity is insufficient at this time. Therefore, this variant is classified as VUS according to the recommendation of ACMG/AMP guideline.

Literature cited by the submitters: PubMed 24399159.